The following is an entry in ClinVar:

NM_000465.4(BARD1):c.521G>A (p.Ser174Asn)

Gene: BARD1 (BRCA1 associated RING domain 1; minus strand). Cytogenetic location: 2q35.
Variant type: single nucleotide variant.
Coding change: c.521G>A on transcript NM_000465.4 (MANE Select); coding-DNA position 521, G replaced by A.
Protein change: p.Ser174Asn; replaces serine 174 with asparagine.
Molecular consequence: missense variant. On other transcripts: non-coding transcript variant (2), intron variant (3).
Genome position (GRCh38, 1-based): chr2:214,781,353, C>T on the plus strand (G>A on the coding strand, the complement: BARD1 is on the minus strand). VCF-style: chr2-214781353-C-T. GRCh37 (hg19) VCF-style: chr2-215646077-C-T.
Other names: c.464G>A, p.Ser155Asn (NM_001282543.2); c.158+28059G>A (NM_001282548.2); c.215+15708G>A (NM_001282545.2); c.364+10944G>A (NM_001282549.2); short protein forms S174N, S155N.
Identifiers: ClinVar variation 482818 (VCV000482818.18), dbSNP rs1277839212, ClinGen allele CA350457474.

ClinVar aggregate classification (germline): Conflicting classifications of pathogenicity. Review status: criteria provided, conflicting classifications (1 of 4 stars). 3 submissions from 3 submitters: Uncertain significance (2); Likely benign (1). Last evaluated 2023-11-25.

Conditions:
Hereditary cancer-predisposing syndrome. Also called: Neoplastic Syndromes, Hereditary; Tumor predisposition; Hereditary Cancer Syndrome; Hereditary neoplastic syndrome. Identifiers: Orphanet 140162, MedGen C0027672, MeSH D009386, MONDO:0015356.
Familial cancer of breast. Also called: BREAST CANCER, FAMILIAL; Hereditary breast cancer; hereditary breast carcinoma. Identifiers: Orphanet 227535, MedGen C0346153, MONDO:0016419, OMIM 114480. Disease mechanism: loss of function.

Allele frequency attached by ClinVar (database versions not stated): gnomAD exomes below 0.00001.
gnomAD v4.1: 1 of 1,613,736 alleles (0.000062%); highest among the groups gnomAD compares: Non-Finnish European, 0.000085%; no homozygotes.

Submissions (3):

Labcorp Genetics (formerly Invitae), Labcorp
Classification: Uncertain significance for Familial cancer of breast. Last evaluated: 2023-11-25. Review status: criteria provided, single submitter. Criteria: Invitae Variant Classification Sherloc (09022015). Collection method: clinical testing. Allele origin: germline.
Comment: This sequence change replaces serine, which is neutral and polar, with asparagine, which is neutral and polar, at codon 174 of the BARD1 protein (p.Ser174Asn). This variant is present in population databases (no rsID available, gnomAD 0.0009%). This variant has not been reported in the literature in individuals affected with BARD1-related conditions. ClinVar contains an entry for this variant (Variation ID: 482818). Algorithms developed to predict the effect of missense changes on protein structure and function output the following: SIFT: "Not Available"; PolyPhen-2: "Benign"; Align-GVGD: "Not Available". The asparagine amino acid residue is found in multiple mammalian species, which suggests that this missense change does not adversely affect protein function. In summary, the available evidence is currently insufficient to determine the role of this variant in disease. Therefore, it has been classified as a Variant of Uncertain Significance.

Color Diagnostics, LLC DBA Color Health
Classification: Uncertain significance for Hereditary cancer-predisposing syndrome. Last evaluated: 2020-02-14. Review status: criteria provided, single submitter. Criteria: ACMG Guidelines, 2015. Collection method: clinical testing. Allele origin: germline.
Comment: This missense variant replaces serine with asparagine at codon 174 of the BARD1 protein. Computational prediction suggests that this variant may not impact protein structure and function (internally defined REVEL score threshold <= 0.5, PMID: 27666373). Splice site prediction tools suggest that this variant may not impact RNA splicing. To our knowledge, functional studies have not been performed for this variant. This variant has not been reported in individuals affected with hereditary cancer in the literature. This variant has been identified in 1/250980 chromosomes in the general population by the Genome Aggregation Database (gnomAD). The available evidence is insufficient to determine the role of this variant in disease conclusively. Therefore, this variant is classified as a Variant of Uncertain Significance.

Ambry Genetics
Classification: Likely benign for Hereditary cancer-predisposing syndrome. Last evaluated: 2017-02-16. Review status: criteria provided, single submitter. Criteria: Ambry Variant Classification Scheme 2023. Collection method: clinical testing. Allele origin: germline.